The following is an entry in ClinVar:

NM_024422.6(DSC2):c.1167G>A (p.Trp389Ter)

Gene: DSC2 (desmocollin 2; minus strand). Cytogenetic location: 18q12.1.
Variant type: single nucleotide variant.
Coding change: c.1167G>A on transcript NM_024422.6 (MANE Select); coding-DNA position 1167, G replaced by A.
Protein change: p.Trp389Ter; replaces tryptophan 389 with a stop codon.
Molecular consequence: nonsense.
Genome position (GRCh38, 1-based): chr18:31,082,334, C>T on the plus strand (G>A on the coding strand, the complement: DSC2 is on the minus strand). VCF-style: chr18-31082334-C-T. GRCh37 (hg19) VCF-style: chr18-28662300-C-T.
Other names: c.1167G>A, p.Trp389Ter (NM_004949.5); short protein forms W389*.
Identifiers: ClinVar variation 546042 (VCV000546042.2), dbSNP rs1555638995, ClinGen allele CA402109731.
Genomic context (GRCh38, chr18:31,082,334, plus strand): 5'-ATCTGTTACAATTTTAAAATTGCCATTTTCATTGCCCTTTAAAATGGTATAATTAGCTCT[C>T]CAGTTAGCAGTATTCACTAAGTCCTTATCCTCAACAGTAACTCGTAAGATTTCCACATCA-3'

ClinVar aggregate classification (germline): Likely pathogenic (1 of 4 stars; one submission).

Allele frequency attached by ClinVar (database versions not stated): gnomAD exomes below 0.00001.
gnomAD v4.1: 1 of 1,613,920 alleles (0.000062%); highest among the groups gnomAD compares: Non-Finnish European, 0.000085%; no homozygotes.

Submission:

GeneDx
Classification: Likely pathogenic. Last evaluated: 2018-05-23. Review status: criteria provided, single submitter. Criteria: GeneDx Variant Classification (06012015). Collection method: clinical testing. Allele origin: germline. Affected: yes.
Comment: The W389X variant in the DSC2 gene has not been reported as pathogenic or benign to our knowledge. W389X is predicted to cause loss of normal protein function either by protein truncation or nonsense-mediated mRNA decay. Other nonsense variants in the DSC2 gene have been reported in Human Gene Mutation Database in association with ARVC and cardiac arrest (Stenson et al., 2014). Furthermore, the W389X variant is not observed in large population cohorts (Lek et al., 2016). Nevertheless, the W389X variant lacks observation in a significant number of affected individuals, segregation data, and functional evidence, which would further clarify its pathogenicity.